The following is an entry in ClinVar:

ClinVar aggregate classification (germline): Likely pathogenic (1 of 4 stars; one submission).

Conditions:
Emery-Dreifuss muscular dystrophy 4, autosomal dominant (EDMD4). Also called: EMERY-DREIFUSS MUSCULAR DYSTROPHY 4 WITH VARIABLE FEATURES. Identifiers: Orphanet 261, MedGen C2751807, MONDO:0013071, OMIM 612998.
Autosomal recessive ataxia, Beauce type. Also called: Spinocerebellar ataxia, autosomal recessive 8; ATAXIA, RECESSIVE, OF BEAUCE; SYNE1-Related Autosomal Recessive Cerebellar Ataxia; SYNE1 Deficiency. Identifiers: Orphanet 88644, MedGen C1853116, MONDO:0012549, OMIM 610743.

Submission:

Labcorp Genetics (formerly Invitae), Labcorp
Classification: Likely pathogenic for Emery-Dreifuss muscular dystrophy 4, autosomal dominant; Autosomal recessive ataxia, Beauce type. Last evaluated: 2023-08-21. Review status: criteria provided, single submitter. Criteria: Invitae Variant Classification Sherloc (09022015). Collection method: clinical testing. Allele origin: germline.
Comment: In summary, the currently available evidence indicates that the variant is pathogenic, but additional data are needed to prove that conclusively. Therefore, this variant has been classified as Likely Pathogenic. This variant has not been reported in the literature in individuals affected with SYNE1-related conditions. This variant is not present in population databases (gnomAD no frequency). This sequence change affects a donor splice site in intron 67 of the SYNE1 gene. It is expected to disrupt RNA splicing. Variants that disrupt the donor or acceptor splice site typically lead to a loss of protein function (PMID: 16199547), and loss-of-function variants in SYNE1 are known to be pathogenic (PMID: 19542096, 24319099, 27086870).

Literature cited by the submitters: PubMed 16199547; PubMed 19542096; PubMed 24319099; PubMed 27086870.

NM_182961.4(SYNE1):c.10862T>C (p.Val3621Ala)

Gene: SYNE1 (spectrin repeat containing nuclear envelope protein 1; minus strand). Cytogenetic location: 6q25.2.
Variant type: single nucleotide variant.
Coding change: c.10862T>C on transcript NM_182961.4 (MANE Select); coding-DNA position 10862, T replaced by C.
Protein change: p.Val3621Ala; replaces valine 3621 with alanine.
Molecular consequence: missense variant. On other transcripts: splice donor variant (1).
Genome position (GRCh38, 1-based): chr6:152,354,723, A>G on the plus strand (T>C on the coding strand, the complement: SYNE1 is on the minus strand). VCF-style: chr6-152354723-A-G. GRCh37 (hg19) VCF-style: chr6-152675858-A-G.
Other names: c.10881+2T>C (NM_033071.5); short protein forms V3621A.
Identifiers: ClinVar variation 2941085 (VCV002941085.3), dbSNP rs2096803850, ClinGen allele CA366125070.